The following is an entry in ClinVar:

ClinVar aggregate classification (germline): Uncertain significance (1 of 4 stars; one submission).

Submission:

Labcorp Genetics (formerly Invitae), Labcorp
Classification: Uncertain significance. Last evaluated: 2022-10-13. Review status: criteria provided, single submitter. Criteria: Invitae Variant Classification Sherloc (09022015). Collection method: clinical testing. Allele origin: germline.
Comment: In summary, the available evidence is currently insufficient to determine the role of this variant in disease. Therefore, it has been classified as a Variant of Uncertain Significance. Algorithms developed to predict the effect of missense changes on protein structure and function are either unavailable or do not agree on the potential impact of this missense change (SIFT: "Deleterious"; PolyPhen-2: "Probably Damaging"; Align-GVGD: "Class C0"). This variant has not been reported in the literature in individuals affected with OTOG-related conditions. This variant is not present in population databases (gnomAD no frequency). This sequence change replaces proline, which is neutral and non-polar, with arginine, which is basic and polar, at codon 405 of the OTOG protein (p.Pro405Arg).

NM_001292063.2(OTOG):c.1178C>G (p.Pro393Arg)

Gene: OTOG (otogelin; plus strand). Cytogenetic location: 11p15.1.
Variant type: single nucleotide variant.
Coding change: c.1178C>G on transcript NM_001292063.2 (MANE Select); coding-DNA position 1178, C replaced by G.
Protein change: p.Pro393Arg; replaces proline 393 with arginine.
Molecular consequence: missense variant.
Genome position (GRCh38, 1-based): chr11:17,559,126, C>G. VCF-style: chr11-17559126-C-G. GRCh37 (hg19) VCF-style: chr11-17580673-C-G.
Other names: c.1214C>G, p.Pro405Arg (NM_001277269.2); short protein forms P393R, P405R.
Identifiers: ClinVar variation 1908918 (VCV001908918.5), dbSNP rs2497383466, ClinGen allele CA379816359.